The following is an entry in ClinVar:

NM_001003800.2(BICD2):c.980C>T (p.Pro327Leu)

Gene: BICD2 (BICD cargo adaptor 2; minus strand). Cytogenetic location: 9q22.31.
Variant type: single nucleotide variant.
Coding change: c.980C>T on transcript NM_001003800.2 (MANE Select); coding-DNA position 980, C replaced by T.
Protein change: p.Pro327Leu; replaces proline 327 with leucine.
Molecular consequence: missense variant.
Genome position (GRCh38, 1-based): chr9:92,720,382, G>A on the plus strand (C>T on the coding strand, the complement: BICD2 is on the minus strand). VCF-style: chr9-92720382-G-A. GRCh37 (hg19) VCF-style: chr9-95482664-G-A.
Other names: c.980C>T, p.Pro327Leu (NM_015250.4); short protein forms P327L.
Identifiers: ClinVar variation 970141 (VCV000970141.8), dbSNP rs772728967, ClinGen allele CA5126683.
Genomic context (GRCh38, chr9:92,720,382, plus strand): 5'-TTCTGGATCTCAGAGATGTTGAGCTCACTGAGTAGGTCGGAGACGAGGCTGGGGGAGGGC[G>A]GTGCGAGGCCCTCCTTCTTGGGCGTGGAGGTCTTGTTGTCCAGTGGCAGCTTGGCCAGGC-3'
Protein context (NP_001003800.1, residues 317-337): TSTPKKEGLA[Pro327Leu]PSPSLVSDLL

ClinVar aggregate classification (germline): Likely benign. Review status: criteria provided, multiple submitters, no conflicts (2 of 4 stars). 2 submissions from 2 submitters: Likely benign (2). Last evaluated 2025-06-04.

Conditions:
Autosomal dominant childhood-onset proximal spinal muscular atrophy with contractures (SMALED2A). Also called: Spinal muscular atrophy, lower extremity-predominant, 2A, autosomal dominant; SPINAL MUSCULAR ATROPHY, LOWER EXTREMITY-PREDOMINANT, 2A, CHILDHOOD ONSET, AUTOSOMAL DOMINANT. Identifiers: Orphanet 363447, Orphanet 363454, MedGen C4747715, MONDO:0014121, OMIM 615290.

Allele frequency attached by ClinVar (database versions not stated): gnomAD 0.00001; gnomAD exomes 0.00004 and 0.00005; ExAC 0.00006; TOPMed 0.00006.
gnomAD v4.1: 65 of 1,613,968 alleles (0.004%); highest among the groups gnomAD compares: South Asian, 0.021%; no homozygotes.

Submissions (2):

Labcorp Genetics (formerly Invitae), Labcorp
Classification: Likely benign for Autosomal dominant childhood-onset proximal spinal muscular atrophy with contractures. Last evaluated: 2025-06-04. Review status: criteria provided, single submitter. Criteria: Invitae Variant Classification Sherloc (09022015). Collection method: clinical testing. Allele origin: germline.

Women's Health and Genetics/Laboratory Corporation of America, LabCorp
Classification: Likely benign. Last evaluated: 2025-06-04. Review status: criteria provided, single submitter. Criteria: LabCorp Variant Classification Summary - May 2015. Collection method: clinical testing. Allele origin: germline.
Comment: Variant summary: BICD2 c.980C>T (p.Pro327Leu) results in a non-conservative amino acid change in the encoded protein sequence. Algorithms developed to predict the effect of missense changes on protein structure and function are either unavailable or do not agree on the potential impact of this missense change. The variant allele was found at a frequency of 4.8e-05 in 251110 control chromosomes. The observed variant frequency is approximately 47.79 fold of the estimated maximal expected allele frequency for a pathogenic variant in BICD2 causing Autosomal dominant childhood-onset proximal spinal muscular atrophy with contractures phenotype (1e-06). To our knowledge, no occurrence of c.980C>T in individuals affected with Autosomal dominant childhood-onset proximal spinal muscular atrophy with contractures and no experimental evidence demonstrating its impact on protein function have been reported. ClinVar contains an entry for this variant (Variation ID: 970141). Based on the evidence outlined above, the variant was classified as likely benign.